The following is an entry in ClinVar:

ClinVar aggregate classification (germline): Uncertain significance (1 of 4 stars; one submission).

Conditions:
2-aminoadipic 2-oxoadipic aciduria (AAKAD). Also called: Aminoadipic aciduria; ALPHA-AMINOADIPIC AND ALPHA-KETOADIPIC ACIDURIA. Identifiers: Orphanet 79154, MedGen C1859817, MONDO:0008774, OMIM 204750.

Submission:

Labcorp Genetics (formerly Invitae), Labcorp
Classification: Uncertain significance for 2-aminoadipic 2-oxoadipic aciduria. Last evaluated: 2025-03-31. Review status: criteria provided, single submitter. Criteria: Invitae Variant Classification Sherloc (09022015). Collection method: clinical testing. Allele origin: germline.
Comment: This sequence change replaces methionine, which is neutral and non-polar, with arginine, which is basic and polar, at codon 170 of the DHTKD1 protein (p.Met170Arg). This variant is not present in population databases (gnomAD no frequency). This variant has not been reported in the literature in individuals affected with DHTKD1-related conditions. ClinVar contains an entry for this variant (Variation ID: 2876922). Invitae Evidence Modeling of protein sequence and biophysical properties (such as structural, functional, and spatial information, amino acid conservation, physicochemical variation, residue mobility, and thermodynamic stability) indicates that this missense variant is expected to disrupt DHTKD1 protein function with a positive predictive value of 80%. In summary, the available evidence is currently insufficient to determine the role of this variant in disease. Therefore, it has been classified as a Variant of Uncertain Significance.

NM_018706.7(DHTKD1):c.509T>G (p.Met170Arg)

Gene: DHTKD1 (dehydrogenase E1 and transketolase domain containing 1; plus strand). Cytogenetic location: 10p14.
Variant type: single nucleotide variant.
Coding change: c.509T>G on transcript NM_018706.7 (MANE Select); coding-DNA position 509, T replaced by G.
Protein change: p.Met170Arg; replaces methionine 170 with arginine.
Molecular consequence: missense variant.
Genome position (GRCh38, 1-based): chr10:12,084,738, T>G. VCF-style: chr10-12084738-T-G. GRCh37 (hg19) VCF-style: chr10-12126737-T-G.
Other names: short protein forms M170R.
Identifiers: ClinVar variation 2876922 (VCV002876922.3), dbSNP rs1270383291, ClinGen allele CA376016927.